The following is an entry in ClinVar:

NM_000827.4(GRIA1):c.438C>T (p.Val146=)

Gene: GRIA1 (glutamate ionotropic receptor AMPA type subunit 1; plus strand). Cytogenetic location: 5q33.2.
Variant type: single nucleotide variant.
Coding change: c.438C>T on transcript NM_000827.4 (MANE Select); coding-DNA position 438, C replaced by T.
Protein change: p.Val146=; no amino-acid change (valine 146 retained).
Molecular consequence: synonymous variant. On other transcripts: non-coding transcript variant (2), intron variant (1).
Genome position (GRCh38, 1-based): chr5:153,647,145, C>T. VCF-style: chr5-153647145-C-T. GRCh37 (hg19) VCF-style: chr5-153026705-C-T.
Other names: c.438C>T, p.Val146= (NM_001114183.2, NM_001364165.2); c.153C>T, p.Val51= (NM_001258020.2); c.468C>T, p.Val156= (NM_001258021.2, NM_001258022.2); c.231C>T, p.Val77= (NM_001258023.1, NM_001364167.2); c.465C>T, p.Val155= (NM_001364166.2); c.221-3185C>T (NM_001258019.2).
Identifiers: ClinVar variation 3772399 (VCV003772399.13).
Genomic context (GRCh38, chr5:153,647,145, plus strand): 5'-CCCTGAACTGCAGGATGCCCTCATCAGCATCATTGACCATTACAAGTGGCAGAAATTTGT[C>T]TACATTTATGATGCCGACCGGGGTAAGCCAAGGGTTAGGGGAGGGAGACTTTTGAGGGAT-3'
Protein context (NP_000818.2, residues 136-156): IIDHYKWQKF[Val146=]YIYDADRGLS

ClinVar aggregate classification (germline): Likely benign (1 of 4 stars; one submission).

Submission:

CeGaT Center for Human Genetics Tuebingen
Classification: Likely benign. Last evaluated: 2025-02-01. Review status: criteria provided, single submitter. Criteria: CeGaT Center For Human Genetics Tuebingen Variant Classification Criteria Version 2. Collection method: clinical testing. Allele origin: germline. Affected: yes. Observed: 1 variant allele.
Comment: GRIA1: PM2:Supporting, BP4, BP7